The following is an entry in ClinVar:

ClinVar aggregate classification (germline): Likely benign (0 of 4 stars; one submission).

Conditions:
SLC5A9-related disorder. Also called: SLC5A9-related condition.

Allele frequency attached by ClinVar (database versions not stated): ExAC 0.00018; ESP Exome Variant Server 0.00046; gnomAD 0.00050; TOPMed 0.00054; 1000 Genomes Project 0.00060; 1000 Genomes Project 30x 0.00078.
gnomAD v4.1: 232 of 1,613,806 alleles (0.014%); highest among the groups gnomAD compares: African/African-American, 0.15%; no homozygotes.

Submission:

PreventionGenetics, part of Exact Sciences
Classification: Likely benign for SLC5A9-related condition. Last evaluated: 2022-04-01. Review status: no assertion criteria provided. Collection method: clinical testing. Allele origin: germline.
Comment: This variant is classified as likely benign based on ACMG/AMP sequence variant interpretation guidelines (Richards et al. 2015 PMID: 25741868, with internal and published modifications).

NM_001011547.3(SLC5A9):c.1751C>T (p.Pro584Leu)

Gene: SLC5A9 (solute carrier family 5 member 9; plus strand). Cytogenetic location: 1p33.
Variant type: single nucleotide variant.
Coding change: c.1751C>T on transcript NM_001011547.3 (MANE Select); coding-DNA position 1751, C replaced by T.
Protein change: p.Pro584Leu; replaces proline 584 with leucine.
Molecular consequence: missense variant.
Genome position (GRCh38, 1-based): chr1:48,242,530, C>T. VCF-style: chr1-48242530-C-T. GRCh37 (hg19) VCF-style: chr1-48708202-C-T.
Other names: c.1826C>T, p.Pro609Leu (NM_001135181.2); short protein forms P584L, P609L.
Identifiers: ClinVar variation 3049347 (VCV003049347.2), dbSNP rs139604418, ClinGen allele CA844006.